The following is an entry in ClinVar:

NM_001367561.1(DOCK7):c.3646G>A (p.Val1216Ile)

Gene: DOCK7 (dedicator of cytokinesis 7; minus strand). Cytogenetic location: 1p31.3.
Variant type: single nucleotide variant.
Coding change: c.3646G>A on transcript NM_001367561.1 (MANE Select); coding-DNA position 3646, G replaced by A.
Protein change: p.Val1216Ile; replaces valine 1216 with isoleucine.
Molecular consequence: missense variant.
Genome position (GRCh38, 1-based): chr1:62,529,412, C>T on the plus strand (G>A on the coding strand, the complement: DOCK7 is on the minus strand). VCF-style: chr1-62529412-C-T. GRCh37 (hg19) VCF-style: chr1-62995083-C-T.
Other names: c.3646G>A, p.Val1216Ile (NM_001271999.2, NM_001330614.2); c.3553G>A, p.Val1185Ile (NM_001272000.2, NM_001272001.2, NM_033407.4); c.3553G>A (NM_033407.2); short protein forms V1185I, V1216I.
Identifiers: ClinVar variation 583352 (VCV000583352.10), dbSNP rs755704781, ClinGen allele CA885923.

ClinVar aggregate classification (germline): Uncertain significance. Review status: criteria provided, multiple submitters, no conflicts (2 of 4 stars). 4 submissions from 4 submitters: Uncertain significance (4). Last evaluated 2025-09-19.

Conditions:
Inborn genetic diseases. Identifiers: MedGen C0950123, MeSH D030342.
Developmental and epileptic encephalopathy, 23 (DEE23). Also called: Epileptic encephalopathy, early infantile, 23. Identifiers: Orphanet 411986, MedGen C4014492, MONDO:0014371, OMIM 615859.

Allele frequency attached by ClinVar (database versions not stated): ExAC 0.00004; gnomAD exomes 0.00004 and 0.00006; gnomAD 0.00005; TOPMed 0.00005.
gnomAD v4.1: 65 of 1,611,776 alleles (0.004%); highest among the groups gnomAD compares: Non-Finnish European, 0.0051%; no homozygotes.

Submissions (4):

GeneDx
Classification: Uncertain significance. Last evaluated: 2025-09-19. Review status: criteria provided, single submitter. Criteria: GeneDx Variant Classification Process June 2021. Collection method: clinical testing. Allele origin: germline.
Comment: Not observed at significant frequency in large population cohorts (gnomAD); In silico analysis suggests that this missense variant does not alter protein structure/function; Has not been previously published as pathogenic or benign to our knowledge

Ambry Genetics
Classification: Uncertain significance for Inborn genetic diseases. Last evaluated: 2024-10-01. Review status: criteria provided, single submitter. Criteria: Ambry Variant Classification Scheme 2023. Collection method: clinical testing. Allele origin: germline.

Genome-Nilou Lab
Classification: Uncertain significance for Developmental and epileptic encephalopathy, 23. Last evaluated: 2023-04-11. Review status: criteria provided, single submitter. Criteria: ACMG Guidelines, 2015. Collection method: clinical testing. Allele origin: germline. Affected: no.

Labcorp Genetics (formerly Invitae), Labcorp
Classification: Uncertain significance for Developmental and epileptic encephalopathy, 23. Last evaluated: 2022-07-09. Review status: criteria provided, single submitter. Criteria: Invitae Variant Classification Sherloc (09022015). Collection method: clinical testing. Allele origin: germline.
Comment: This sequence change replaces valine, which is neutral and non-polar, with isoleucine, which is neutral and non-polar, at codon 1216 of the DOCK7 protein (p.Val1216Ile). This variant is present in population databases (rs755704781, gnomAD 0.01%). This variant has not been reported in the literature in individuals affected with DOCK7-related conditions. ClinVar contains an entry for this variant (Variation ID: 583352). Algorithms developed to predict the effect of missense changes on protein structure and function (SIFT, PolyPhen-2, Align-GVGD) all suggest that this variant is likely to be tolerated. In summary, the available evidence is currently insufficient to determine the role of this variant in disease. Therefore, it has been classified as a Variant of Uncertain Significance.